The following is an entry in ClinVar:

NM_020376.4(PNPLA2):c.1120dup (p.Cys374fs)

Gene: PNPLA2 (patatin like domain 2, triacylglycerol lipase; plus strand). Cytogenetic location: 11p15.5.
Variant type: Duplication.
Coding change: c.1120dup on transcript NM_020376.4 (MANE Select); coding-DNA position 1120, one base duplicated (T; older notation c.1120dupT).
Protein change: p.Cys374fs; shifts the reading frame from cysteine 374.
Molecular consequence: frameshift variant.
Genome position (GRCh38, 1-based): chr11:824,381, T duplicated. VCF-style (leftmost placement, unchanged base first): chr11-824380-C-CT. GRCh37 (hg19) VCF-style: chr11-824380-C-CT.
Other names: short protein forms C374fs.
Identifiers: ClinVar variation 2014150 (VCV002014150.4), dbSNP rs2495565697, ClinGen allele CA2580083881.

ClinVar aggregate classification (germline): Uncertain significance (1 of 4 stars; one submission).

Conditions:
Neutral lipid storage myopathy (NLSDM). Also called: NEUTRAL LIPID STORAGE DISEASE WITHOUT ICHTHYOSIS. Identifiers: Orphanet 98908, MedGen C1853136, MONDO:0012545, OMIM 610717.

Submission:

Labcorp Genetics (formerly Invitae), Labcorp
Classification: Uncertain significance for Neutral lipid storage myopathy. Last evaluated: 2022-07-04. Review status: criteria provided, single submitter. Criteria: Invitae Variant Classification Sherloc (09022015). Collection method: clinical testing. Allele origin: germline.
Comment: In summary, the available evidence is currently insufficient to determine the role of this variant in disease. Therefore, it has been classified as a Variant of Uncertain Significance. This sequence change results in a frameshift in the PNPLA2 gene (p.Cys374Leufs*178). While this is not anticipated to result in nonsense mediated decay, it is expected to disrupt the last 131 amino acid(s) of the PNPLA2 protein and extend the protein by 46 additional amino acid residues. Experimental studies and prediction algorithms are not available or were not evaluated, and the functional significance of this variant is currently unknown. This variant has not been reported in the literature in individuals affected with PNPLA2-related conditions. This variant is not present in population databases (gnomAD no frequency).